The following is an entry in ClinVar:

ClinVar aggregate classification (germline): Uncertain significance. Review status: criteria provided, multiple submitters, no conflicts (2 of 4 stars). 2 submissions from 2 submitters: Uncertain significance (2). Last evaluated 2022-05-29.

Allele frequency attached by ClinVar (database versions not stated): gnomAD 0.00002; ExAC 0.00003; gnomAD exomes 0.00004; TOPMed 0.00004; ESP Exome Variant Server 0.00023.

Submissions (2):

Labcorp Genetics (formerly Invitae), Labcorp
Classification: Uncertain significance. Last evaluated: 2022-05-29. Review status: criteria provided, single submitter. Criteria: Invitae Variant Classification Sherloc (09022015). Collection method: clinical testing. Allele origin: germline.
Comment: This sequence change replaces arginine, which is basic and polar, with histidine, which is basic and polar, at codon 467 of the HSPG2 protein (p.Arg467His). This variant is present in population databases (rs376490126, gnomAD 0.008%). This variant has not been reported in the literature in individuals affected with HSPG2-related conditions. ClinVar contains an entry for this variant (Variation ID: 844672). Algorithms developed to predict the effect of missense changes on protein structure and function output the following: SIFT: "Tolerated"; PolyPhen-2: "Benign"; Align-GVGD: "Class C0". The histidine amino acid residue is found in multiple mammalian species, which suggests that this missense change does not adversely affect protein function. In summary, the available evidence is currently insufficient to determine the role of this variant in disease. Therefore, it has been classified as a Variant of Uncertain Significance.

Revvity Omics, Revvity
Classification: Uncertain significance. Last evaluated: 2020-03-25. Review status: criteria provided, single submitter. Criteria: ACMG Guidelines, 2015. Collection method: clinical testing. Allele origin: germline.

NM_005529.7(HSPG2):c.1400G>A (p.Arg467His)

Gene: HSPG2 (heparan sulfate proteoglycan 2; minus strand). Cytogenetic location: 1p36.12.
Variant type: single nucleotide variant.
Coding change: c.1400G>A on transcript NM_005529.7 (MANE Select); coding-DNA position 1400, G replaced by A.
Protein change: p.Arg467His; replaces arginine 467 with histidine.
Molecular consequence: missense variant.
Genome position (GRCh38, 1-based): chr1:21,884,874, C>T on the plus strand (G>A on the coding strand, the complement: HSPG2 is on the minus strand). VCF-style: chr1-21884874-C-T. GRCh37 (hg19) VCF-style: chr1-22211367-C-T.
Other names: c.1400G>A (NM_005529.5); c.1400G>A, p.Arg467His (NM_001291860.2); short protein forms R467H.
Identifiers: ClinVar variation 844672 (VCV000844672.9), dbSNP rs376490126, ClinGen allele CA673458.
Genomic context (GRCh38, chr1:21,884,874, plus strand): 5'-ATGCCCCGGGCGTTCATGGCCTCACAGGTGTAGGCACCCTGGTCTGACTCCTTCACATCA[C>T]GGATGATCAGTGTGCCACGGCCACCCTCGCTGGTCACTGTCACCCTGGTGAGCCCCAAGA-3'
Protein context (NP_005520.4, residues 457-477): SEGGRGTLII[Arg467His]DVKESDQGAY